The following is an entry in ClinVar:

NM_012123.4(MTO1):c.961A>G (p.Lys321Glu)

Gene: MTO1 (mitochondrial tRNA translation optimization 1; plus strand). Cytogenetic location: 6q13.
Variant type: single nucleotide variant.
Coding change: c.961A>G on transcript NM_012123.4 (MANE Select); coding-DNA position 961, A replaced by G.
Protein change: p.Lys321Glu; replaces lysine 321 with glutamic acid.
Molecular consequence: missense variant.
Genome position (GRCh38, 1-based): chr6:73,479,958, A>G. VCF-style: chr6-73479958-A-G. GRCh37 (hg19) VCF-style: chr6-74189681-A-G.
Other names: c.961A>G, p.Lys321Glu (NM_001123226.2, NM_133645.3); c.961A>G (NM_001123226.1); short protein forms K321E.
Identifiers: ClinVar variation 697292 (VCV000697292.15), dbSNP rs148667065, ClinGen allele CA3889488.
Genomic context (GRCh38, chr6:73,479,958, plus strand): 5'-TTTGTTCATTTCAAGTTTATTTAAATGTTCTATTCTAGATACTGTCCCTCCATTGAATCA[A>G]AAGTTTTGCGTTTTCCAAACCGTCTACATCAGGTTTGGTTGGAACCTGAAGGAATGGATT-3'
Protein context (NP_036255.2, residues 311-331): GPRYCPSIES[Lys321Glu]VLRFPNRLHQ

ClinVar aggregate classification (germline): Conflicting classifications of pathogenicity. Review status: criteria provided, conflicting classifications (1 of 4 stars). 3 submissions from 3 submitters: Uncertain significance (1); Likely benign (2). Last evaluated 2026-01-16.

Conditions:
Mitochondrial hypertrophic cardiomyopathy with lactic acidosis due to MTO1 deficiency. Also called: Combined oxidative phosphorylation deficiency 10; CARDIOMYOPATHY, INFANTILE HYPERTROPHIC MITOCHONDRIAL, AND LACTIC ACIDOSIS. Identifiers: Orphanet 314637, MedGen C4749921, MONDO:0013865, OMIM 614702.
Inborn genetic diseases. Identifiers: MedGen C0950123, MeSH D030342.

Allele frequency attached by ClinVar (database versions not stated): gnomAD 0.00007 and 0.00008; TOPMed 0.00008; ESP Exome Variant Server 0.00015.
gnomAD v4.1: 115 of 1,612,760 alleles (0.0071%); highest among the groups gnomAD compares: African/African-American, 0.0013%; no homozygotes.

Submissions (3):

Labcorp Genetics (formerly Invitae), Labcorp
Classification: Likely benign for Mitochondrial hypertrophic cardiomyopathy with lactic acidosis due to MTO1 deficiency. Last evaluated: 2026-01-16. Review status: criteria provided, single submitter. Criteria: Invitae Variant Classification Sherloc (09022015). Collection method: clinical testing. Allele origin: germline.

GeneDx
Classification: Uncertain significance. Last evaluated: 2025-05-28. Review status: criteria provided, single submitter. Criteria: GeneDx Variant Classification Process June 2021. Collection method: clinical testing. Allele origin: germline. Affected: yes.
Comment: In silico analysis supports that this missense variant has a deleterious effect on protein structure/function; Has not been previously published as pathogenic or benign to our knowledge

Ambry Genetics
Classification: Likely benign for Inborn genetic diseases. Last evaluated: 2022-10-27. Review status: criteria provided, single submitter. Criteria: Ambry Variant Classification Scheme 2023. Collection method: clinical testing. Allele origin: germline.